The following is an entry in ClinVar:

ClinVar aggregate classification (germline): Conflicting classifications of pathogenicity. Review status: criteria provided, conflicting classifications (1 of 4 stars). 2 submissions from 2 submitters: Pathogenic (1); Uncertain significance (1). Last evaluated 2024-11-20.

Conditions:
Autosomal recessive limb-girdle muscular dystrophy. Identifiers: Orphanet 102015, MedGen C2931907, MONDO:0015152.
Cardiovascular phenotype. Identifiers: MedGen CN230736.

Submissions (2):

Women's Health and Genetics/Laboratory Corporation of America, LabCorp
Classification: Pathogenic for Autosomal recessive limb-girdle muscular dystrophy. Last evaluated: 2024-11-20. Review status: criteria provided, single submitter. Criteria: LabCorp Variant Classification Summary - May 2015. Collection method: clinical testing. Allele origin: germline.
Comment: Variant summary: FKRP c.329G>C (p.Arg110Pro) results in a non-conservative amino acid change in the encoded protein sequence. Three of five in-silico tools predict a damaging effect of the variant on protein function. The variant was absent in 134338 control chromosomes (gnomAD). c.329G>C has been reported in the literature in homozygous individuals affected with Muscular Dystrophy with cognitive impairment/cerebellar involvement (Quijano-Roy_2006, Sframeli_2017). These data indicate that the variant is very likely to be associated with disease. The following publications have been ascertained in the context of this evaluation (PMID: 16368217, 28688748). ClinVar contains an entry for this variant (Variation ID: 1729935). Based on the evidence outlined above, the variant was classified as pathogenic.

Ambry Genetics
Classification: Uncertain significance for Cardiovascular phenotype. Last evaluated: 2021-11-29. Review status: criteria provided, single submitter. Criteria: Ambry Variant Classification Scheme 2023. Collection method: clinical testing. Allele origin: germline.
Comment: The p.R110P variant (also known as c.329G>C), located in coding exon 1 of the FKRP gene, results from a G to C substitution at nucleotide position 329. The arginine at codon 110 is replaced by proline, an amino acid with dissimilar properties. This alteration has been reported as homozygous in two individuals with concerns for congenital muscular dystrophy (Quijano-Roy S et al. Brain Dev, 2006 May;28:232-42). This amino acid position is not well conserved in available vertebrate species. In addition, this alteration is predicted to be deleterious by in silico analysis. Since supporting evidence is limited at this time, the clinical significance of this alteration remains unclear.

Literature cited by the submitters: PubMed 28688748 (cited by Women's Health and Genetics/Laboratory Corporation of America, LabCorp); PubMed 16368217 (cited by Women's Health and Genetics/Laboratory Corporation of America, LabCorp and Ambry Genetics).

NM_024301.5(FKRP):c.329G>C (p.Arg110Pro)

Gene: FKRP (fukutin related protein; plus strand). Cytogenetic location: 19q13.32.
Variant type: single nucleotide variant.
Coding change: c.329G>C on transcript NM_024301.5 (MANE Select); coding-DNA position 329, G replaced by C.
Protein change: p.Arg110Pro; replaces arginine 110 with proline.
Molecular consequence: missense variant.
Genome position (GRCh38, 1-based): chr19:46,755,779, G>C. VCF-style: chr19-46755779-G-C. GRCh37 (hg19) VCF-style: chr19-47259036-G-C.
Other names: c.329G>C, p.Arg110Pro (NM_001039885.3); short protein forms R110P.
Identifiers: ClinVar variation 1729935 (VCV001729935.3), dbSNP rs2054899311, ClinGen allele CA406495113.